The following is an entry in ClinVar:

ClinVar aggregate classification (germline): Uncertain significance (1 of 4 stars; one submission).

Allele frequency attached by ClinVar (database versions not stated): TOPMed below 0.00001; ExAC 0.00001; gnomAD 0.00001.
gnomAD v4.1: 4 of 1,582,486 alleles (0.00025%); highest among the groups gnomAD compares: Admixed American, 0.005%; no homozygotes.

Submission:

Labcorp Genetics (formerly Invitae), Labcorp
Classification: Uncertain significance. Last evaluated: 2025-08-18. Review status: criteria provided, single submitter. Criteria: Invitae Variant Classification Sherloc (09022015). Collection method: clinical testing. Allele origin: germline.
Comment: This sequence change replaces lysine, which is basic and polar, with glutamic acid, which is acidic and polar, at codon 611 of the PDE6B protein (p.Lys611Glu). This variant is present in population databases (rs777215608, gnomAD 0.003%). This variant has not been reported in the literature in individuals affected with PDE6B-related conditions. ClinVar contains an entry for this variant (Variation ID: 1908319). An algorithm developed to predict the effect of missense changes on protein structure and function (PolyPhen-2) suggests that this variant is likely to be tolerated. Algorithms developed to predict the effect of sequence changes on RNA splicing suggest that this variant may disrupt the consensus splice site. In summary, the available evidence is currently insufficient to determine the role of this variant in disease. Therefore, it has been classified as a Variant of Uncertain Significance.

NM_000283.4(PDE6B):c.1831A>G (p.Lys611Glu)

Gene: PDE6B (phosphodiesterase 6B; plus strand). Cytogenetic location: 4p16.3.
Variant type: single nucleotide variant.
Coding change: c.1831A>G on transcript NM_000283.4 (MANE Select); coding-DNA position 1831, A replaced by G.
Protein change: p.Lys611Glu; replaces lysine 611 with glutamic acid.
Molecular consequence: missense variant.
Genome position (GRCh38, 1-based): chr4:662,617, A>G. VCF-style: chr4-662617-A-G. GRCh37 (hg19) VCF-style: chr4-656406-A-G.
Other names: c.1831A>G, p.Lys611Glu (NM_001145291.2); c.994A>G, p.Lys332Glu (NM_001145292.2, NM_001350154.3, NM_001379246.1 and 1 more transcripts); c.676A>G, p.Lys226Glu (NM_001350155.3); short protein forms K226E, K611E, K332E.
Identifiers: ClinVar variation 1908319 (VCV001908319.5), dbSNP rs777215608, ClinGen allele CA2794694.